The following is an entry in ClinVar:

NM_001015880.2(PAPSS2):c.955A>G (p.Ser319Gly)

Gene: PAPSS2 (3'-phosphoadenosine 5'-phosphosulfate synthase 2; plus strand). Cytogenetic location: 10q23.31.
Variant type: single nucleotide variant.
Coding change: c.955A>G on transcript NM_001015880.2 (MANE Select); coding-DNA position 955, A replaced by G.
Protein change: p.Ser319Gly; replaces serine 319 with glycine.
Molecular consequence: missense variant.
Genome position (GRCh38, 1-based): chr10:87,727,358, A>G. VCF-style: chr10-87727358-A-G. GRCh37 (hg19) VCF-style: chr10-89487115-A-G.
Other names: c.940A>G, p.Ser314Gly (NM_004670.4); short protein forms S314G, S319G.
Identifiers: ClinVar variation 1714218 (VCV001714218.5), dbSNP rs2492846810, ClinGen allele CA377489424.

ClinVar aggregate classification (germline): Uncertain significance (1 of 4 stars; one submission).

Conditions:
Spondyloepimetaphyseal dysplasia, PAPSS2 type. Also called: SEMD, PAKISTANI TYPE; BRACHYOLMIA TYPE 4 WITH MILD EPIPHYSEAL AND METAPHYSEAL CHANGES; SPONDYLODYSPLASIA AND PREMATURE PUBARCHE. Identifiers: Orphanet 93282, MedGen C2748516, MONDO:0019666, OMIM 612847.

Allele frequency attached by ClinVar (database versions not stated): gnomAD exomes below 0.00001.
gnomAD v4.1: 3 of 1,614,098 alleles (0.00019%); highest among the groups gnomAD compares: African/African-American, 0.0013%; no homozygotes.

Submission:

Labcorp Genetics (formerly Invitae), Labcorp
Classification: Uncertain significance for Spondyloepimetaphyseal dysplasia, PAPSS2 type. Last evaluated: 2024-10-21. Review status: criteria provided, single submitter. Criteria: Invitae Variant Classification Sherloc (09022015). Collection method: clinical testing. Allele origin: germline.
Comment: This sequence change replaces serine, which is neutral and polar, with glycine, which is neutral and non-polar, at codon 319 of the PAPSS2 protein (p.Ser319Gly). This variant is not present in population databases (gnomAD no frequency). This variant has not been reported in the literature in individuals affected with PAPSS2-related conditions. ClinVar contains an entry for this variant (Variation ID: 1714218). An algorithm developed to predict the effect of missense changes on protein structure and function outputs the following: PolyPhen-2: "Benign". The glycine amino acid residue is found in multiple mammalian species, which suggests that this missense change does not adversely affect protein function. In summary, the available evidence is currently insufficient to determine the role of this variant in disease. Therefore, it has been classified as a Variant of Uncertain Significance.